The following is an entry in ClinVar:

NM_001375567.1(FOCAD):c.4048T>C (p.Ser1350Pro)

Gene: FOCAD (focadhesin; plus strand). Cytogenetic location: 9p21.3.
Variant type: single nucleotide variant.
Coding change: c.4048T>C on transcript NM_001375567.1 (MANE Select); coding-DNA position 4048, T replaced by C.
Protein change: p.Ser1350Pro; replaces serine 1350 with proline.
Molecular consequence: missense variant.
Genome position (GRCh38, 1-based): chr9:20,951,095, T>C. VCF-style: chr9-20951095-T-C. GRCh37 (hg19) VCF-style: chr9-20951094-T-C.
Other names: c.3943T>C, p.Ser1315Pro (NM_001375568.1, NM_001375570.1); c.4048T>C, p.Ser1350Pro (NM_017794.5); c.4048T>C (NM_017794.3); short protein forms S1350P, S1315P.
Identifiers: ClinVar variation 3631328 (VCV003631328.3).
Genomic context (GRCh38, chr9:20,951,095, plus strand): 5'-GCAGTCTGGCTTCTTGGACATCTTCATCTATCTACTCTATCCTCAAGTCAAAGTAGAGCC[T>C]CTGGTAAGATTAAAGTCATAAAATACTGGAGCTGGAAGGGAGGGATTGCCGACCCAGCGC-3'
Protein context (NP_001362496.1, residues 1340-1360): STLSSSQSRA[Ser1350Pro]VPTDYSYLPE

ClinVar aggregate classification (germline): Uncertain significance. Review status: criteria provided, multiple submitters, no conflicts (2 of 4 stars). 2 submissions from 2 submitters: Uncertain significance (2). Last evaluated 2025-06-11.

Conditions:
Inborn genetic diseases. Identifiers: MedGen C0950123, MeSH D030342.

gnomAD v4.1: 6 of 1,611,070 alleles (0.00037%); highest among the groups gnomAD compares: East Asian, 0.0089%; no homozygotes.

Submissions (2):

Ambry Genetics
Classification: Uncertain significance for Inborn genetic diseases. Last evaluated: 2025-06-11. Review status: criteria provided, single submitter. Criteria: Ambry Variant Classification Scheme 2023. Collection method: clinical testing. Allele origin: germline.

Labcorp Genetics (formerly Invitae), Labcorp
Classification: Uncertain significance. Last evaluated: 2024-10-15. Review status: criteria provided, single submitter. Criteria: Invitae Variant Classification Sherloc (09022015). Collection method: clinical testing. Allele origin: germline.
Comment: This sequence change replaces serine, which is neutral and polar, with proline, which is neutral and non-polar, at codon 1350 of the FOCAD protein (p.Ser1350Pro). This variant is present in population databases (rs377220966, gnomAD 0.01%). This variant has not been reported in the literature in individuals affected with FOCAD-related conditions. Experimental studies and prediction algorithms are not available or were not evaluated, and the functional significance of this variant is currently unknown. In summary, the available evidence is currently insufficient to determine the role of this variant in disease. Therefore, it has been classified as a Variant of Uncertain Significance.